The following is an entry in ClinVar:

ClinVar aggregate classification (germline): Uncertain significance (1 of 4 stars; one submission).

Conditions:
Seizures, benign familial infantile, 3 (BFIS3). Also called: Familial neonatal seizures; CONVULSIONS, BENIGN FAMILIAL INFANTILE, 3. Identifiers: Orphanet 140927, Orphanet 306, MedGen C1843140, MONDO:0011904, OMIM 607745.
Developmental and epileptic encephalopathy, 11 (DEE11). Also called: Early infantile epileptic encephalopathy 11. Identifiers: Orphanet 1934, MedGen C3150987, MONDO:0013388, OMIM 613721.

Allele frequency attached by ClinVar (database versions not stated): gnomAD exomes below 0.00001 and 0.00001; gnomAD 0.00001; TOPMed 0.00003.
gnomAD v4.1: 3 of 1,610,684 alleles (0.00019%); highest among the groups gnomAD compares: African/African-American, 0.004%; no homozygotes.

Submission:

Labcorp Genetics (formerly Invitae), Labcorp
Classification: Uncertain significance for Seizures, benign familial infantile, 3; Developmental and epileptic encephalopathy, 11. Last evaluated: 2019-08-25. Review status: criteria provided, single submitter. Criteria: Invitae Variant Classification Sherloc (09022015). Collection method: clinical testing. Allele origin: germline.
Comment: In summary, the available evidence is currently insufficient to determine the role of this variant in disease. Therefore, it has been classified as a Variant of Uncertain Significance. Algorithms developed to predict the effect of missense changes on protein structure and function (SIFT, PolyPhen-2, Align-GVGD) all suggest that this variant is likely to be tolerated, but these predictions have not been confirmed by published functional studies and their clinical significance is uncertain. This variant has not been reported in the literature in individuals with SCN2A-related conditions. This variant is not present in population databases (ExAC no frequency). This sequence change replaces isoleucine with threonine at codon 2000 of the SCN2A protein (p.Ile2000Thr). The isoleucine residue is moderately conserved and there is a moderate physicochemical difference between isoleucine and threonine.

NM_001040142.2(SCN2A):c.5999T>C (p.Ile2000Thr)

Gene: SCN2A (sodium voltage-gated channel alpha subunit 2; plus strand). Cytogenetic location: 2q24.3.
Variant type: single nucleotide variant.
Coding change: c.5999T>C on transcript NM_001040142.2 (MANE Select); coding-DNA position 5999, T replaced by C.
Protein change: p.Ile2000Thr; replaces isoleucine 2000 with threonine.
Molecular consequence: missense variant.
Genome position (GRCh38, 1-based): chr2:165,389,805, T>C. VCF-style: chr2-165389805-T-C. GRCh37 (hg19) VCF-style: chr2-166246315-T-C.
Other names: c.5999T>C, p.Ile2000Thr (NM_001040143.2, NM_001371246.1, NM_001371247.1 and 1 more transcripts); short protein forms I2000T.
Identifiers: ClinVar variation 939482 (VCV000939482.10), dbSNP rs1433941543, ClinGen allele CA349041990.